The following is an entry in ClinVar:

NM_016599.5(MYOZ2):c.561-13T>A

Gene: MYOZ2 (myozenin 2; plus strand). Cytogenetic location: 4q26.
Variant type: single nucleotide variant.
Coding change: c.561-13T>A on transcript NM_016599.5 (MANE Select); 13 bases into the intron before coding-DNA position 561, T replaced by A.
Molecular consequence: intron variant.
Genome position (GRCh38, 1-based): chr4:119,185,953, T>A. VCF-style: chr4-119185953-T-A. GRCh37 (hg19) VCF-style: chr4-120107108-T-A.
Identifiers: ClinVar variation 378222 (VCV000378222.6), dbSNP rs774606671, ClinGen allele CA3058680.
Genomic context (GRCh38, chr4:119,185,953, plus strand): 5'-ATTATGAAATTGTTTTCTATTTTGACAAATTTGAATATTAATTGAGATCTGTTTTTTTTT[T>A]AATTTCCCACAGGGTTGCCACACCATTTGGAGGTTTTGAAAAAGCATCAAGAATGGTTAA-3'

ClinVar aggregate classification (germline): Likely benign. Review status: criteria provided, multiple submitters, no conflicts (2 of 4 stars). 4 submissions from 4 submitters: Likely benign (2). 2 of the submissions do not count toward it. Last evaluated 2025-03-17.

Conditions:
Hypertrophic cardiomyopathy. Also called: HYPERTROPHIC MYOCARDIOPATHY. Identifiers: Orphanet 217569, MedGen C0007194, MeSH D002312, MONDO:0005045, HP:0001639.

Allele frequency attached by ClinVar (database versions not stated): gnomAD 0.00002; gnomAD exomes 0.00002; TOPMed 0.00002; ExAC 0.00003.

Submissions (4):

Labcorp Genetics (formerly Invitae), Labcorp
Classification: Likely benign for Hypertrophic cardiomyopathy. Last evaluated: 2025-03-17. Review status: criteria provided, single submitter. Criteria: Invitae Variant Classification Sherloc (09022015). Collection method: clinical testing. Allele origin: germline.

GeneDx
Classification: Likely benign. Last evaluated: 2016-12-07. Review status: criteria provided, single submitter. Criteria: GeneDx Variant Classification (06012015). Collection method: clinical testing. Allele origin: germline. Affected: yes.
Comment: This variant is considered likely benign or benign based on one or more of the following criteria: it is a conservative change, it occurs at a poorly conserved position in the protein, it is predicted to be benign by multiple in silico algorithms, and/or has population frequency not consistent with disease.

Clinical Genetics, Academic Medical Center
Classification: Benign. Review status: no assertion criteria provided. Collection method: clinical testing. Allele origin: germline. Affected: yes. Study: VKGL Data-share Consensus. Not counted in ClinVar's aggregate classification.

Joint Genome Diagnostic Labs from Nijmegen and Maastricht, Radboudumc and MUMC+
Classification: Likely benign. Review status: no assertion criteria provided. Collection method: clinical testing. Allele origin: germline. Affected: yes. Study: VKGL Data-share Consensus. Not counted in ClinVar's aggregate classification.